The following is an entry in ClinVar:

NM_000048.4(ASL):c.1045_1062+7del

Gene: ASL (argininosuccinate lyase; plus strand). Cytogenetic location: 7q11.21.
Variant type: Deletion.
Coding change: c.1045_1062+7del on transcript NM_000048.4 (MANE Select); coding-DNA position 1045 through 7 bases into the intron after coding-DNA position 1062, 25 bases deleted (GTCATCTCTACGCTGCAGGCAAGAC).
Molecular consequence: splice donor variant.
Genome position (GRCh38, 1-based): chr7:66,089,678-66,089,702, GTCATCTCTACGCTGCAGGCAAGAC deleted; deleting any 25 consecutive bases within chr7:66,089,677-66,089,702 gives the same sequence; the c. name uses the placement nearest the transcript's 3' end. VCF-style (leftmost placement, unchanged base first): chr7-66089676-GCGTCATCTCTACGCTGCAGGCAAGA-G. GRCh37 (hg19) VCF-style: chr7-65554663-GCGTCATCTCTACGCTGCAGGCAAGA-G.
Other names: c.1045_1062+7del (NM_001024943.2); c.985_1002+7del (NM_001024944.2); c.967_984+7del (NM_001024946.2); c.1045_1062+7delGTCATCTCTACGCTGCAGGCAAGAC (NM_000048.3).
Identifiers: ClinVar variation 529426 (VCV000529426.6), dbSNP rs1329070853, ClinGen allele CA658796935.

ClinVar aggregate classification (germline): Pathogenic. Review status: criteria provided, multiple submitters, no conflicts (2 of 4 stars). 2 submissions from 2 submitters: Pathogenic (2). Last evaluated 2023-10-22.

Conditions:
Argininosuccinate lyase deficiency. Also called: ARGININOSUCCINIC ACID LYASE DEFICIENCY; ASL DEFICIENCY; Argininosuccinic aciduria. Identifiers: Orphanet 23, MedGen C0268547, MONDO:0008815, OMIM 207900, HP:0025630.

Submissions (2):

Labcorp Genetics (formerly Invitae), Labcorp
Classification: Pathogenic for Argininosuccinate lyase deficiency. Last evaluated: 2023-10-22. Review status: criteria provided, single submitter. Criteria: Invitae Variant Classification Sherloc (09022015). Collection method: clinical testing. Allele origin: germline.
Comment: This variant results in the deletion of part of exon 14 (c.1045_1062+7del) of the ASL gene. It is expected to disrupt RNA splicing. Variants that disrupt the donor or acceptor splice site typically lead to a loss of protein function (PMID: 16199547), and loss-of-function variants in ASL are known to be pathogenic (PMID: 2263616, 24166829). This variant is not present in population databases (gnomAD no frequency). This variant has been observed in individuals with argininosuccinate lyase deficiency (PMID: 16941645; Invitae). ClinVar contains an entry for this variant (Variation ID: 529426). For these reasons, this variant has been classified as Pathogenic.

Baylor Genetics
Classification: Pathogenic for Argininosuccinate lyase deficiency. Last evaluated: 2023-04-27. Review status: criteria provided, single submitter. Criteria: ACMG Guidelines, 2015. Collection method: clinical testing. Allele origin: unknown.

Literature cited by the submitters: PubMed 16199547 (cited by Labcorp Genetics (formerly Invitae), Labcorp); PubMed 2263616 (cited by Labcorp Genetics (formerly Invitae), Labcorp); PubMed 24166829 (cited by Labcorp Genetics (formerly Invitae), Labcorp); PubMed 16941645 (cited by Labcorp Genetics (formerly Invitae), Labcorp).